The following is an entry in ClinVar:

ClinVar aggregate classification (germline): Uncertain significance (1 of 4 stars; one submission).

Allele frequency attached by ClinVar (database versions not stated): gnomAD exomes below 0.00001.
gnomAD v4.1: 1 of 1,612,096 alleles (0.000062%); highest among the groups gnomAD compares: South Asian, 0.0011%; no homozygotes.

Submission:

Labcorp Genetics (formerly Invitae), Labcorp
Classification: Uncertain significance. Last evaluated: 2023-01-17. Review status: criteria provided, single submitter. Criteria: Invitae Variant Classification Sherloc (09022015). Collection method: clinical testing. Allele origin: germline.
Comment: In summary, the available evidence is currently insufficient to determine the role of this variant in disease. Therefore, it has been classified as a Variant of Uncertain Significance. Advanced modeling of protein sequence and biophysical properties (such as structural, functional, and spatial information, amino acid conservation, physicochemical variation, residue mobility, and thermodynamic stability) performed at Invitae indicates that this missense variant is expected to disrupt RAI1 protein function. This variant has not been reported in the literature in individuals affected with RAI1-related conditions. This variant is not present in population databases (gnomAD no frequency). This sequence change replaces lysine, which is basic and polar, with glutamic acid, which is acidic and polar, at codon 1225 of the RAI1 protein (p.Lys1225Glu).

NM_030665.4(RAI1):c.3673A>G (p.Lys1225Glu)

Gene: RAI1 (retinoic acid induced 1; plus strand). Cytogenetic location: 17p11.2.
Variant type: single nucleotide variant.
Coding change: c.3673A>G on transcript NM_030665.4 (MANE Select); coding-DNA position 3673, A replaced by G.
Protein change: p.Lys1225Glu; replaces lysine 1225 with glutamic acid.
Molecular consequence: missense variant.
Genome position (GRCh38, 1-based): chr17:17,796,621, A>G. VCF-style: chr17-17796621-A-G. GRCh37 (hg19) VCF-style: chr17-17699935-A-G.
Other names: short protein forms K1225E.
Identifiers: ClinVar variation 2718183 (VCV002718183.3), dbSNP rs1018526230, ClinGen allele CA288370536.
Genomic context (GRCh38, chr17:17,796,621, plus strand): 5'-GTCCCCAAACCTGGTGCAGGCAGCAAGCTCTCTGACCGGCCCCTCCATGCGCTCAAAAGG[A>G]AGTCGGCCTTCATGGCGCCGGTCCCCACCAAGAAGCGGAACCTGGTCTTGCGGAGCCGCA-3'
Protein context (NP_109590.3, residues 1215-1235): SDRPLHALKR[Lys1225Glu]SAFMAPVPTK